The following is an entry in ClinVar:

NM_000548.5(TSC2):c.2965A>G (p.Ser989Gly)

Gene: TSC2 (TSC complex subunit 2; plus strand). Cytogenetic location: 16p13.3.
Variant type: single nucleotide variant.
Coding change: c.2965A>G on transcript NM_000548.5 (MANE Select); coding-DNA position 2965, A replaced by G.
Protein change: p.Ser989Gly; replaces serine 989 with glycine.
Molecular consequence: missense variant. On other transcripts: intron variant (9).
Genome position (GRCh38, 1-based): chr16:2,077,725, A>G. VCF-style: chr16-2077725-A-G. GRCh37 (hg19) VCF-style: chr16-2127726-A-G.
Other names: c.2965A>G, p.Ser989Gly (NM_001114382.3); c.2837+1140A>G (NM_021055.3, NM_001370405.1, NM_001363528.2 and 2 more transcripts); c.2726+1140A>G (NM_001318827.2); c.2237+1140A>G (NM_001318831.2); c.2690+1140A>G (NM_001318829.2); c.2870+1140A>G (NM_001318832.2); short protein forms S989G.
Identifiers: ClinVar variation 580483 (VCV000580483.8), dbSNP rs1567491278, ClinGen allele CA394281606.

ClinVar aggregate classification (germline): Uncertain significance (1 of 4 stars; one submission).

Conditions:
Tuberous sclerosis 2 (TSC2). Identifiers: Orphanet 805, MedGen C1860707, MONDO:0013199, OMIM 613254.

Allele frequency attached by ClinVar (database versions not stated): gnomAD exomes below 0.00001.
gnomAD v4.1: 1 of 1,612,482 alleles (0.000062%); highest among the groups gnomAD compares: Non-Finnish European, 0.000085%; no homozygotes.

Submission:

Labcorp Genetics (formerly Invitae), Labcorp
Classification: Uncertain significance for Tuberous sclerosis 2. Last evaluated: 2024-07-26. Review status: criteria provided, single submitter. Criteria: Invitae Variant Classification Sherloc (09022015). Collection method: clinical testing. Allele origin: germline.
Comment: This sequence change replaces serine, which is neutral and polar, with glycine, which is neutral and non-polar, at codon 989 of the TSC2 protein (p.Ser989Gly). This variant is not present in population databases (gnomAD no frequency). This variant has not been reported in the literature in individuals affected with TSC2-related conditions. ClinVar contains an entry for this variant (Variation ID: 580483). An algorithm developed to predict the effect of missense changes on protein structure and function (PolyPhen-2) suggests that this variant is likely to be tolerated. Algorithms developed to predict the effect of sequence changes on RNA splicing suggest that this variant may disrupt the consensus splice site. In summary, the available evidence is currently insufficient to determine the role of this variant in disease. Therefore, it has been classified as a Variant of Uncertain Significance.